The following is an entry in ClinVar:

ClinVar aggregate classification (germline): Uncertain significance (1 of 4 stars; one submission).

gnomAD v4.1: 16 of 1,613,802 alleles (0.00099%); highest among the groups gnomAD compares: Non-Finnish European, 0.0014%; no homozygotes.

Submission:

Labcorp Genetics (formerly Invitae), Labcorp
Classification: Uncertain significance. Last evaluated: 2022-03-18. Review status: criteria provided, single submitter. Criteria: Invitae Variant Classification Sherloc (09022015). Collection method: clinical testing. Allele origin: germline.
Comment: In summary, the available evidence is currently insufficient to determine the role of this variant in disease. Therefore, it has been classified as a Variant of Uncertain Significance. Experimental studies and prediction algorithms are not available or were not evaluated, and the functional significance of this variant is currently unknown. This variant has not been reported in the literature in individuals affected with TRAPPC9-related conditions. This variant is not present in population databases (gnomAD no frequency). This sequence change creates a premature translational stop signal (p.Cys1233*) in the TRAPPC9 gene. While this is not anticipated to result in nonsense mediated decay, it is expected to disrupt the last 14 amino acid(s) of the TRAPPC9 protein.

NM_001160372.4(TRAPPC9):c.3405C>A (p.Cys1135Ter)

Gene: TRAPPC9 (trafficking protein particle complex subunit 9; minus strand). Cytogenetic location: 8q24.3.
Variant type: single nucleotide variant.
Coding change: c.3405C>A on transcript NM_001160372.4 (MANE Select); coding-DNA position 3405, C replaced by A.
Protein change: p.Cys1135Ter; replaces cysteine 1135 with a stop codon.
Molecular consequence: nonsense. On other transcripts: non-coding transcript variant (1).
Genome position (GRCh38, 1-based): chr8:139,731,103, G>T on the plus strand (C>A on the coding strand, the complement: TRAPPC9 is on the minus strand). VCF-style: chr8-139731103-G-T. GRCh37 (hg19) VCF-style: chr8-140743346-G-T.
Other names: c.3378C>A, p.Cys1126Ter (NM_001321646.2); c.3426C>A, p.Cys1142Ter (NM_001374682.1); c.3294C>A, p.Cys1098Ter (NM_001374683.1); c.3261C>A, p.Cys1087Ter (NM_001374684.1); c.3405C>A, p.Cys1135Ter (NM_031466.8); short protein forms C1098*, C1142*, C1135*, C1126*, C1087*.
Identifiers: ClinVar variation 1497592 (VCV001497592.6), dbSNP rs1324290525, ClinGen allele CA372732377.